The following is an entry in ClinVar:

ClinVar aggregate classification (germline): Uncertain significance (1 of 4 stars; one submission).

Conditions:
RASopathy. Also called: rasopathies; Noonan spectrum disorder. Identifiers: Orphanet 536391, MedGen C5555857, MONDO:0021060.

Allele frequency attached by ClinVar (database versions not stated): gnomAD exomes below 0.00001.
gnomAD v4.1: 1 of 1,613,354 alleles (0.000062%); highest among the groups gnomAD compares: East Asian, 0.0022%; no homozygotes.

Submission:

Labcorp Genetics (formerly Invitae), Labcorp
Classification: Uncertain significance for RASopathy. Last evaluated: 2025-09-20. Review status: criteria provided, single submitter. Criteria: Invitae Variant Classification Sherloc (09022015). Collection method: clinical testing. Allele origin: germline.
Comment: This sequence change affects codon 298 of the MAP2K1 mRNA. It is a 'silent' change, meaning that it does not change the encoded amino acid sequence of the MAP2K1 protein. It affects a nucleotide within the consensus splice site. This variant is not present in population databases (gnomAD no frequency). This variant has not been reported in the literature in individuals affected with MAP2K1-related conditions. ClinVar contains an entry for this variant (Variation ID: 1478764). Algorithms developed to predict the effect of sequence changes on RNA splicing suggest that this variant is not likely to affect RNA splicing. In summary, the available evidence is currently insufficient to determine the role of this variant in disease. Therefore, it has been classified as a Variant of Uncertain Significance.

NM_002755.4(MAP2K1):c.894C>T (p.Ser298=)

Gene: MAP2K1 (mitogen-activated protein kinase kinase 1; plus strand). Cytogenetic location: 15q22.31.
Variant type: single nucleotide variant.
Coding change: c.894C>T on transcript NM_002755.4 (MANE Select); coding-DNA position 894, C replaced by T.
Protein change: p.Ser298=; no amino-acid change (serine 298 retained).
Molecular consequence: synonymous variant.
Genome position (GRCh38, 1-based): chr15:66,485,190, C>T. VCF-style: chr15-66485190-C-T. GRCh37 (hg19) VCF-style: chr15-66777528-C-T.
Identifiers: ClinVar variation 1478764 (VCV001478764.8), dbSNP rs2140675493, ClinGen allele CA490858585.